The following is an entry in ClinVar:

ClinVar aggregate classification (germline): Pathogenic. Review status: criteria provided, multiple submitters, no conflicts (2 of 4 stars). 5 submissions from 5 submitters: Pathogenic (3). 2 of the submissions do not count toward it. Last evaluated 2025-07-31.

Conditions:
CBS-related disorder. Also called: CBS-related condition.
Classic homocystinuria. Also called: HOMOCYSTINURIA WITH OR WITHOUT RESPONSE TO PYRIDOXINE; Homocystinuria due to Cystathionine Beta-Synthase Deficiency; Homocystinuria due to CBS deficiency; Cystathionine beta-synthase deficiency; CBS deficiency. Identifiers: Orphanet 394, MedGen C0751202, MONDO:0009352, OMIM 236200.
HYPERHOMOCYSTEINEMIA, THROMBOTIC, CBS-RELATED. Identifiers: MedGen C3150344, OMIM 236200.
Homocystinuria. Identifiers: MedGen C0019880, MONDO:0004737, HP:0002156.

Submissions (5):

Natera, Inc.
Classification: Pathogenic for Homocystinuria due to cystathionine beta-synthase deficiency. Last evaluated: 2025-07-31. Review status: criteria provided, single submitter. Criteria: Natera Variant Classification Schema (03/2026). Collection method: clinical testing. Allele origin: germline.
Comment: The c.526G>A variant in CBS is a missense variant predicted to cause substitution of glutamic acid to lysine at amino acid 176. This variant is rare in the general population with a frequency below the threshold expected for the associated phenotype(s). This variant has been observed in one or more individuals affected with the associated recessive disease, as either homozygous or compound heterozygous with a second variant (PMID: 32769498, 30732165, 11359213). Additionally, this variant has been observed to segregate in affected family members (PMID: 32769498). Functional studies show that this variant may disrupt protein function (PMID: 11359213). Computational prediction algorithms indicate this variant is likely to affect gene or protein function. Given the available evidence, this variant is classified as Pathogenic.

Labcorp Genetics (formerly Invitae), Labcorp
Classification: Pathogenic for HYPERHOMOCYSTEINEMIA, THROMBOTIC, CBS-RELATED. Last evaluated: 2024-01-28. Review status: criteria provided, single submitter. Criteria: Invitae Variant Classification Sherloc (09022015). Collection method: clinical testing. Allele origin: germline.
Comment: This sequence change replaces glutamic acid, which is acidic and polar, with lysine, which is basic and polar, at codon 176 of the CBS protein (p.Glu176Lys). This variant is not present in population databases (gnomAD no frequency). This missense change has been observed in individuals with homocystinuria (PMID: 9266356, 22353391, 30732165). ClinVar contains an entry for this variant (Variation ID: 633144). Advanced modeling of protein sequence and biophysical properties (such as structural, functional, and spatial information, amino acid conservation, physicochemical variation, residue mobility, and thermodynamic stability) performed at Invitae indicates that this missense variant is expected to disrupt CBS protein function with a positive predictive value of 95%. Experimental studies have shown that this missense change affects CBS function (PMID: 20506325, 22267502, 22353391). For these reasons, this variant has been classified as Pathogenic.

Women's Health and Genetics/Laboratory Corporation of America, LabCorp
Classification: Pathogenic for Homocystinuria. Last evaluated: 2017-12-07. Review status: criteria provided, single submitter. Criteria: LabCorp Variant Classification Summary - May 2015. Collection method: clinical testing. Allele origin: germline.
Comment: Variant summary: The CBS c.526G>A (p.Glu176Lys) variant located in the pyridoxal-phosphate dependent enzyme domain (via InterPro) involves the alteration of a conserved nucleotide and 4/5 in silico tools predict a damaging outcome for this variant. Multiple functional studies, Janocik_2001, Lu_2012, and Hnizda_2012, support these predictions with observations that the variant impedes proper CBS protein function. This variant is absent in 184408 control chromosomes (gnomAD). Multiple publications have cited the variant in a homozygous and compound heterozygote patients. However, to our knowledge, the variant of interest has not been citied by reputable clinical diagnostic laboratories. Taken together, this variant is classified as pathogenic.

PreventionGenetics, part of Exact Sciences
Classification: Pathogenic for CBS-related condition. Last evaluated: 2024-07-10. Review status: no assertion criteria provided. Collection method: clinical testing. Allele origin: germline. Not counted in ClinVar's aggregate classification.
Comment: The CBS c.526G>A variant is predicted to result in the amino acid substitution p.Glu176Lys. This variant has previously been reported, in the homozygous state or heterozygous state with a second CBS variant, in patients with homocystinuria (Kozich et al. 1997. PubMed ID: 9266356; Lu et al. 2012. PubMed ID: 22353391; Shang et al. 2019. PubMed ID: 30732165). In functional studies, the p.Gly176Lys substitution has been reported to affect protein activity and stability (Janosík et al. 2001. PubMed ID: 11359213; Kozich et al. 2010. PubMed ID: 20506325; Kopecká et al. 2011. PubMed ID: 20490928; Hnízda et al. 2012. PubMed ID: 22612060; Lu et al. 2012. PubMed ID: 22353391). This variant has not been reported in a large population database, indicating this variant is rare. Taken together, this variant is interpreted as pathogenic.

Child Health and Human Development Program, Research Institute of the McGill University Health Center
Classification: Pathogenic for Classic homocystinuria. Review status: no assertion criteria provided. Collection method: clinical testing. Allele origin: unknown. Inheritance: Autosomal recessive inheritance. Affected: yes. Not counted in ClinVar's aggregate classification.
Comment: Clinical characteristics included lens dislocation and elevated fasting homocysteine. Patients had no intellectual impairment and do not respond to treatment with vitamin B6.

Literature cited by the submitters: PubMed 32769498 (cited by Natera, Inc.); PubMed 30732165 (cited by Natera, Inc. and Labcorp Genetics (formerly Invitae), Labcorp); PubMed 11359213 (cited by Natera, Inc.); PubMed 9266356 (cited by Labcorp Genetics (formerly Invitae), Labcorp and Women's Health and Genetics/Laboratory Corporation of America, LabCorp); PubMed 22353391 (cited by Labcorp Genetics (formerly Invitae), Labcorp and Women's Health and Genetics/Laboratory Corporation of America, LabCorp); PubMed 20506325 (cited by Labcorp Genetics (formerly Invitae), Labcorp); PubMed 22267502 (cited by Labcorp Genetics (formerly Invitae), Labcorp); PubMed 20490928 (cited by Women's Health and Genetics/Laboratory Corporation of America, LabCorp); PubMed 22612060 (cited by Women's Health and Genetics/Laboratory Corporation of America, LabCorp).

NM_000071.3(CBS):c.526G>A (p.Glu176Lys)

Gene: CBS (cystathionine beta-synthase; minus strand). Cytogenetic location: 21q22.3.
Variant type: single nucleotide variant.
Coding change: c.526G>A on transcript NM_000071.3 (MANE Select); coding-DNA position 526, G replaced by A.
Protein change: p.Glu176Lys; replaces glutamic acid 176 with lysine.
Molecular consequence: missense variant.
Genome position (GRCh38, 1-based): chr21:43,065,621, C>T on the plus strand (G>A on the coding strand, the complement: CBS is on the minus strand). VCF-style: chr21-43065621-C-T. GRCh37 (hg19) VCF-style: chr21-44485731-C-T.
Other names: c.526G>A, p.Glu176Lys (NM_001178008.3, NM_001178009.3, NM_001320298.2); c.211G>A, p.Glu71Lys (NM_001321072.1); short protein forms E176K, E71K.
Identifiers: ClinVar variation 633144 (VCV000633144.13), dbSNP rs762065361, ClinGen allele CA410601279.